The following is an entry in ClinVar:

NM_020779.4(WDR35):c.*3268C>T

Gene: WDR35 (WD repeat domain 35; minus strand). Cytogenetic location: 2p24.1.
Variant type: single nucleotide variant.
Coding change: c.*3268C>T on transcript NM_020779.4 (MANE Select); 3268 bases downstream of the stop codon, C replaced by T.
Molecular consequence: 3 prime UTR variant.
Genome position (GRCh38, 1-based): chr2:19,910,290, G>A on the plus strand (C>T on the coding strand, the complement: WDR35 is on the minus strand). VCF-style: chr2-19910290-G-A. GRCh37 (hg19) VCF-style: chr2-20110051-G-A.
Other names: c.*3268C>T (NM_001006657.2).
Identifiers: ClinVar variation 333318 (VCV000333318.6), dbSNP rs113280329, ClinGen allele CA10611879.

ClinVar aggregate classification (germline): Benign. Review status: criteria provided, multiple submitters, no conflicts (2 of 4 stars). 3 submissions from 2 submitters: Benign (3). Last evaluated 2018-01-13.

Conditions:
Cranioectodermal dysplasia 2 (CED2). Identifiers: Orphanet 1515, MedGen C3150874, MONDO:0013323, OMIM 613610.
Short-rib thoracic dysplasia 7 with or without polydactyly (SRTD7). Also called: SHORT-RIB THORACIC DYSPLASIA 7 WITH POLYDACTYLY; Short rib polydactyly syndrome 5. Identifiers: Orphanet 498497, Orphanet 93271, MedGen C3279792, MONDO:0013569, OMIM 614091.

Allele frequency attached by ClinVar (database versions not stated): gnomAD 0.01670 and 0.01807; 1000 Genomes Project 0.01797; TOPMed 0.01847; 1000 Genomes Project 30x 0.01952.

Submissions (3):

Illumina Laboratory Services, Illumina
Classification: Benign for Cranioectodermal dysplasia 2. Last evaluated: 2018-01-13. Review status: criteria provided, single submitter. Criteria: ICSL Variant Classification Criteria 13 December 2019. Collection method: clinical testing. Allele origin: germline.
Comment: This variant was observed in the ICSL laboratory as part of a predisposition screen in an ostensibly healthy population. It had not been previously curated by ICSL or reported in the Human Gene Mutation Database (HGMD: prior to June 1st, 2018), and was therefore a candidate for classification through an automated scoring system. Utilizing variant allele frequency, disease prevalence and penetrance estimates, and inheritance mode, an automated score was calculated to assess if this variant is too frequent to cause the disease. Based on the score and internal cut-off values, a variant classified as benign is not then subjected to further curation. The score for this variant resulted in a classification of benign for this disease.

Illumina Laboratory Services, Illumina
Classification: Benign for Short-rib thoracic dysplasia 7 with or without polydactyly. Last evaluated: 2018-01-13. Review status: criteria provided, single submitter. Criteria: ICSL Variant Classification Criteria 13 December 2019. Collection method: clinical testing. Allele origin: germline.
Comment: the same text as in the submission from Illumina Laboratory Services, Illumina above.

Breakthrough Genomics
Classification: Benign. Review status: criteria provided, single submitter. Criteria: ACMG Guidelines, 2015. Collection method: not provided. Allele origin: germline. Inheritance: Autosomal recessive inheritance. Affected: yes.